The following is an entry in ClinVar:

NM_001354604.2(MITF):c.64A>G (p.Lys22Glu)

Genes: MITF (melanocyte inducing transcription factor; plus strand), LOC107988042 (MITF-A promoter region; plus strand). Cytogenetic location: 3p13.
Variant type: single nucleotide variant.
Coding change: c.64A>G on transcript NM_001354604.2 (MANE Select); coding-DNA position 64, A replaced by G.
Protein change: p.Lys22Glu; replaces lysine 22 with glutamic acid.
Molecular consequence: missense variant. On other transcripts: 5 prime UTR variant (2).
Genome position (GRCh38, 1-based): chr3:69,739,661, A>G. VCF-style: chr3-69739661-A-G. GRCh37 (hg19) VCF-style: chr3-69788812-A-G.
Other names: c.64A>G, p.Lys22Glu (NM_001354605.2, NM_001354606.2, NM_198159.3); c.-117A>G (NM_001354607.2); c.-132A>G (NM_001354608.2); short protein forms K22E.
Identifiers: ClinVar variation 3047368 (VCV003047368.2), dbSNP rs1323075294, ClinGen allele CA353558827.

ClinVar aggregate classification (germline): Uncertain significance (0 of 4 stars; one submission).

Conditions:
MITF-related disorder. Also called: MITF-related condition.

gnomAD v4.1: 1 of 1,583,072 alleles (0.000063%); highest among the groups gnomAD compares: Non-Finnish European, 0.000086%; no homozygotes.

Submission:

PreventionGenetics, part of Exact Sciences
Classification: Uncertain significance for MITF-related condition. Last evaluated: 2024-01-03. Review status: no assertion criteria provided. Collection method: clinical testing. Allele origin: germline.
Comment: The MITF c.64A>G variant is predicted to result in the amino acid substitution p.Lys22Glu. This variant corresponds to a pre-coding position in the primary transcript for this gene (NM_000248.3:c.-197062A>G). To our knowledge, this variant has not been reported in the literature or in a large population database, indicating this variant is rare. At this time, the clinical significance of this variant is uncertain due to the absence of conclusive functional and genetic evidence.